The following is an entry in ClinVar:

NM_004646.4(NPHS1):c.3714A>G (p.Gly1238=)

Gene: NPHS1 (NPHS1 adhesion molecule, nephrin; minus strand). Cytogenetic location: 19q13.12.
Variant type: single nucleotide variant.
Coding change: c.3714A>G on transcript NM_004646.4 (MANE Select); coding-DNA position 3714, A replaced by G.
Protein change: p.Gly1238=; no amino-acid change (glycine 1238 retained).
Molecular consequence: synonymous variant.
Genome position (GRCh38, 1-based): chr19:35,826,526, T>C on the plus strand (A>G on the coding strand, the complement: NPHS1 is on the minus strand). VCF-style: chr19-35826526-T-C. GRCh37 (hg19) VCF-style: chr19-36317428-T-C.
Identifiers: ClinVar variation 1939554 (VCV001939554.29), dbSNP rs368513578, ClinGen allele CA507091266.

ClinVar aggregate classification (germline): Likely benign. Review status: criteria provided, multiple submitters, no conflicts (2 of 4 stars). 2 submissions from 2 submitters: Likely benign (2). Last evaluated 2023-05-13.

Allele frequency attached by ClinVar (database versions not stated): gnomAD exomes 0.00001.
gnomAD v4.1: 6 of 1,613,590 alleles (0.00037%); highest among the groups gnomAD compares: African/African-American, 0.0013%; no homozygotes.

Submissions (2):

Labcorp Genetics (formerly Invitae), Labcorp
Classification: Likely benign. Last evaluated: 2023-05-13. Review status: criteria provided, single submitter. Criteria: Invitae Variant Classification Sherloc (09022015). Collection method: clinical testing. Allele origin: germline.

CeGaT Center for Human Genetics Tuebingen
Classification: Likely benign. Last evaluated: 2022-07-01. Review status: criteria provided, single submitter. Criteria: CeGaT Center For Human Genetics Tuebingen Variant Classification Criteria Version 2. Collection method: clinical testing. Allele origin: germline. Affected: yes. Observed: 1 variant allele.
Comment: NPHS1: BP4, BP7